The following is an entry in ClinVar:

ClinVar aggregate classification (germline): Likely benign (0 of 4 stars; one submission).

Conditions:
PEAK1-related disorder. Also called: PEAK1-related condition.

Allele frequency attached by ClinVar (database versions not stated): gnomAD exomes 0.00004; gnomAD 0.00007; TOPMed 0.00008; ExAC 0.00013.
gnomAD v4.1: 71 of 1,614,100 alleles (0.0044%); highest among the groups gnomAD compares: Admixed American, 0.11%; 1 homozygote.

Submission:

PreventionGenetics, part of Exact Sciences
Classification: Likely benign for PEAK1-related condition. Last evaluated: 2023-04-09. Review status: no assertion criteria provided. Collection method: clinical testing. Allele origin: germline.
Comment: This variant is classified as likely benign based on ACMG/AMP sequence variant interpretation guidelines (Richards et al. 2015 PMID: 25741868, with internal and published modifications).

NM_001385026.1(PEAK1):c.3311G>A (p.Ser1104Asn)

Gene: PEAK1 (pseudopodium enriched atypical kinase 1; minus strand). Cytogenetic location: 15q24.3.
Variant type: single nucleotide variant.
Coding change: c.3311G>A on transcript NM_001385026.1 (MANE Select); coding-DNA position 3311, G replaced by A.
Protein change: p.Ser1104Asn; replaces serine 1104 with asparagine.
Molecular consequence: missense variant.
Genome position (GRCh38, 1-based): chr15:77,158,523, C>T on the plus strand (G>A on the coding strand, the complement: PEAK1 is on the minus strand). VCF-style: chr15-77158523-C-T. GRCh37 (hg19) VCF-style: chr15-77450865-C-T.
Other names: c.3311G>A, p.Ser1104Asn (NM_001387085.1, NM_001387086.1, NM_024776.5); short protein forms S1104N.
Identifiers: ClinVar variation 3047639 (VCV003047639.2), dbSNP rs749506547, ClinGen allele CA7676815.